The following is an entry in ClinVar:

NM_030665.4(RAI1):c.3920_3924delinsATG (p.Arg1307fs)

Gene: RAI1 (retinoic acid induced 1; plus strand). Cytogenetic location: 17p11.2.
Variant type: Indel.
Coding change: c.3920_3924delinsATG on transcript NM_030665.4 (MANE Select); coding-DNA positions 3920 to 3924, GGGCA replaced by ATG.
Protein change: p.Arg1307fs; shifts the reading frame from arginine 1307.
Molecular consequence: frameshift variant.
Genome position (GRCh38, 1-based): chr17:17,796,868-17,796,872, GGGCA replaced by ATG. VCF-style: chr17-17796868-GGGCA-ATG. GRCh37 (hg19) VCF-style: chr17-17700182-GGGCA-ATG.
Other names: short protein forms R1307fs.
Identifiers: ClinVar variation 3151199 (VCV003151199.1), dbSNP rs2543616341, ClinGen allele CA2825002466.
Genomic context (GRCh38, chr17:17,796,868, plus strand): 5'-AGCCTGCCACAAAGCTCCCACCCCCGGAGACCCCCGATGCCTGCCTCAAGCTCGCCTCTC[GGGCA>ATG]GCCTTCCAGGGGGCCATGAAGACCAAGGTGCTGCCACCCCGGAAGGGCCGGGGCCTGAAG-3'

ClinVar aggregate classification (germline): Pathogenic (1 of 4 stars; one submission).

Conditions:
Inborn genetic diseases. Identifiers: MedGen C0950123, MeSH D030342.

Submission:

Ambry Genetics
Classification: Pathogenic for Inborn genetic diseases. Last evaluated: 2024-02-13. Review status: criteria provided, single submitter. Criteria: Ambry Variant Classification Scheme 2023. Collection method: clinical testing. Allele origin: germline.
Comment: The c.3920_3924delGGGCAinsATG (p.R1307Hfs*40) alteration, located in exon 3 (coding exon 1) of the RAI1 gene, consists of a deletion of 5 and insertion of 3 nucleotides causing a translational frameshift at position 3920 with a predicted alternate stop codon after 40 amino acids. This alteration is expected to result in loss of function by premature protein truncation or nonsense-mediated mRNA decay. This variant was not reported in population-based cohorts in the Genome Aggregation Database (gnomAD). Based on the available evidence, this alteration is classified as pathogenic.